The following is an entry in ClinVar:

NM_025219.3(DNAJC5):c.321+37_321+38insTCTCCTGCCGTGCGGGCACCCGAGTCACTCCTGCCGTGCGGGCACCCGAGTCACTCCTGCCGTGCGGGCACCCGAGTC

Gene: DNAJC5 (DnaJ heat shock protein family (Hsp40) member C5; plus strand). Cytogenetic location: 20q13.33.
Variant type: Insertion.
Coding change: c.321+37_321+38insTCTCCTGCCGTGCGGGCACCCGAGTCACTCCTGCCGTGCGGGCACCCGAGTCACTCCTGCCGTGCGGGCACCCGAGTC on transcript NM_025219.3 (MANE Select); bases 37 to 38 of the intron after coding-DNA position 321, TCTCCTGCCGTGCGGGCACCCGAGTCACTCCTGCCGTGCGGGCACCCGAGTCACTCCTGCCGTGCGGGCACCCGAGTC inserted.
Molecular consequence: intron variant.
Genome position: GRCh38: chr20:63,929,562-63,929,563. GRCh37 (hg19): chr20:62,560,915-62,560,916.
Identifiers: ClinVar variation 3685222 (VCV003685222.2).

ClinVar aggregate classification (germline): Uncertain significance (1 of 4 stars; one submission).

Conditions:
Neuronal ceroid lipofuscinosis. Also called: Neuronal Ceroid Lipofuscinoses. Identifiers: Orphanet 216, Orphanet 79263, MedGen C0027877, MONDO:0016295. Disease mechanism: loss of function.

Submission:

Labcorp Genetics (formerly Invitae), Labcorp
Classification: Uncertain significance for Neuronal ceroid lipofuscinosis. Last evaluated: 2024-05-01. Review status: criteria provided, single submitter. Criteria: Invitae Variant Classification Sherloc (09022015). Collection method: clinical testing. Allele origin: germline.
Comment: This sequence change falls in intron 3 of the DNAJC5 gene. It does not directly change the encoded amino acid sequence of the DNAJC5 protein. This variant is present in population databases (no rsID available, gnomAD 0.007%). This variant has not been reported in the literature in individuals affected with DNAJC5-related conditions. Experimental studies and prediction algorithms are not available or were not evaluated, and the effect of this variant on mRNA splicing is currently unknown. In summary, the available evidence is currently insufficient to determine the role of this variant in disease. Therefore, it has been classified as a Variant of Uncertain Significance.